The following is an entry in ClinVar:

NM_000238.4(KCNH2):c.1557+253del

Gene: KCNH2 (potassium voltage-gated channel subfamily H member 2; minus strand). Cytogenetic location: 7q36.1.
Variant type: Deletion.
Coding change: c.1557+253del on transcript NM_000238.4 (MANE Select); 253 bases into the intron after coding-DNA position 1557, one base deleted (T; older notation c.1557+253delT).
Molecular consequence: intron variant.
Genome position (GRCh38, 1-based): chr7:150,952,172, A deleted on the plus strand (T on the coding strand, the reverse complement: KCNH2 is on the minus strand); the first of 7 consecutive A bases (chr7:150,952,172-150,952,178); deleting any one gives the same sequence. VCF-style (leftmost placement, unchanged base first): chr7-150952171-GA-G. GRCh37 (hg19) VCF-style: chr7-150649259-GA-G.
Other names: c.1269+253del (NM_001406753.1, NM_001406756.1); c.537+253del (NM_172057.3, NM_001204798.2); c.1557+253del (NM_172056.3); c.1380+253del (NM_001406755.1); c.1257+253del (NM_001406757.1).
Identifiers: ClinVar variation 683887 (VCV000683887.3), dbSNP rs35117381, ClinGen allele CA169077181.
Genomic context (GRCh38, chr7:150,952,171, plus strand): 5'-CAGCTTCTAGGGCACTTTGGTGACGCTACAAAATAATGGCCCCTTGGGATGGACGAATTA[GA>G]AAAAAAGGTGTCCTGTGTGGCCCTCTGCAACCTGCGAGGAGCTTGTGTGGAGAGAAGGAG-3'

ClinVar aggregate classification (germline): Benign (1 of 4 stars; one submission).

Submission:

GeneDx
Classification: Benign. Last evaluated: 2018-06-18. Review status: criteria provided, single submitter. Criteria: GeneDx Variant Classification (06012015). Collection method: clinical testing. Allele origin: germline. Affected: yes.
Comment: This variant is considered likely benign or benign based on one or more of the following criteria: it is a conservative change, it occurs at a poorly conserved position in the protein, it is predicted to be benign by multiple in silico algorithms, and/or has population frequency not consistent with disease.